The following is an entry in ClinVar:

NM_005523.6(HOXA11):c.840C>T (p.Leu280=)

Gene: HOXA11 (homeobox A11; minus strand). Cytogenetic location: 7p15.2.
Variant type: single nucleotide variant.
Coding change: c.840C>T on transcript NM_005523.6 (MANE Select); coding-DNA position 840, C replaced by T.
Protein change: p.Leu280=; no amino-acid change (leucine 280 retained).
Molecular consequence: synonymous variant.
Genome position (GRCh38, 1-based): chr7:27,182,898, G>A on the plus strand (C>T on the coding strand, the complement: HOXA11 is on the minus strand). VCF-style: chr7-27182898-G-A. GRCh37 (hg19) VCF-style: chr7-27222517-G-A.
Other names: p.Leu280=.
Identifiers: ClinVar variation 435442 (VCV000435442.29), dbSNP rs115808703, ClinGen allele CA4198332.
Genomic context (GRCh38, chr7:27,182,898, plus strand): 5'-GTTAATTTTTTTTTCCTTCATTCTCCTGTTCTGAAACCAGATTTTGACTTGACGATCAGT[G>A]AGGTTGAGCATGCGGGACAGTTGCAGGCGCTTCTCTTTGTTAATGTAGACGCTGAAGAAG-3'
Protein context (NP_005514.1, residues 270-290): KRLQLSRMLN[Leu280=]TDRQVKIWFQ

ClinVar aggregate classification (germline): Benign/Likely benign. Review status: criteria provided, multiple submitters, no conflicts (2 of 4 stars). 5 submissions from 5 submitters: Benign (3); Likely benign (2). Last evaluated 2024-12-23.

Allele frequency attached by ClinVar (database versions not stated): gnomAD 0.00396 and 0.00370; TOPMed 0.00420; 1000 Genomes Project 30x 0.00453; 1000 Genomes Project 0.00459; gnomAD exomes 0.00066 and 0.00156; ExAC 0.00179; ESP Exome Variant Server 0.00369.
gnomAD v4.1: 1,578 of 1,614,060 alleles (0.098%); highest among the groups gnomAD compares: African/African-American, 1.2%; 9 homozygotes.

Submissions (5):

Mayo Clinic Laboratories, Mayo Clinic
Classification: Benign. Last evaluated: 2024-12-23. Review status: criteria provided, single submitter. Criteria: ACMG Guidelines, 2015. Collection method: clinical testing. Allele origin: germline. Observed: 1 variant allele.
Comment: BS1, BS2, BP4, BP7

CeGaT Center for Human Genetics Tuebingen
Classification: Benign. Last evaluated: 2024-07-01. Review status: criteria provided, single submitter. Criteria: CeGaT Center For Human Genetics Tuebingen Variant Classification Criteria Version 2. Collection method: clinical testing. Allele origin: germline. Affected: yes. Observed: 1 variant allele.
Comment: HOXA11: BP4, BS1, BS2

Labcorp Genetics (formerly Invitae), Labcorp
Classification: Benign. Last evaluated: 2019-12-31. Review status: criteria provided, single submitter. Criteria: Invitae Variant Classification Sherloc (09022015). Collection method: clinical testing. Allele origin: germline.

Genetic Services Laboratory, University of Chicago
Classification: Likely benign. Last evaluated: 2017-02-23. Review status: criteria provided, single submitter. Criteria: ACMG Guidelines, 2015. Collection method: clinical testing. Allele origin: germline. Affected: no.

Breakthrough Genomics
Classification: Likely benign. Review status: criteria provided, single submitter. Criteria: ACMG Guidelines, 2015. Collection method: not provided. Allele origin: germline. Inheritance: Autosomal dominant inheritance. Affected: yes.